The following is an entry in ClinVar:

NM_001037333.3(CYFIP2):c.2908+5G>A

Gene: CYFIP2 (cytoplasmic FMR1 interacting protein 2; plus strand). Cytogenetic location: 5q33.3.
Variant type: single nucleotide variant.
Coding change: c.2908+5G>A on transcript NM_001037333.3 (MANE Select); 5 bases into the intron after coding-DNA position 2908, G replaced by A.
Molecular consequence: intron variant.
Genome position (GRCh38, 1-based): chr5:157,360,377, G>A. VCF-style: chr5-157360377-G-A. GRCh37 (hg19) VCF-style: chr5-156787385-G-A.
Other names: c.2983+5G>A (NM_001291722.2); c.2830+5G>A (NM_001291721.2); c.2908+5G>A (NM_014376.4).
Identifiers: ClinVar variation 3345586 (VCV003345586.1).
Genomic context (GRCh38, chr5:157,360,377, plus strand): 5'-GATAGAGGTGATGCCCAAGATATGCCGCTTGCCCCGACATGAGTATGGCTCCCCAGGTTG[G>A]TGATAGCAAAACAATCCAGACCCCTCCCATGGTGGGGAGGGAGGCTCTGACCATCCACCT-3'

ClinVar aggregate classification (germline): Uncertain significance (0 of 4 stars; one submission).

Conditions:
CYFIP2-related disorder. Also called: CYFIP2-related condition.

gnomAD v4.1: 1 of 1,612,690 alleles (0.000062%); highest among the groups gnomAD compares: Non-Finnish European, 0.000085%; no homozygotes.

Submission:

PreventionGenetics, part of Exact Sciences
Classification: Uncertain significance for CYFIP2-related condition. Last evaluated: 2024-07-03. Review status: no assertion criteria provided. Collection method: clinical testing. Allele origin: germline.
Comment: The CYFIP2 c.2983+5G>A variant is predicted to interfere with splicing. To our knowledge, this variant has not been reported in the literature or in a large population database, indicating this variant is rare. At this time, the clinical significance of this variant is uncertain due to the absence of conclusive functional and genetic evidence.